The following is an entry in ClinVar:

NM_020184.4(CNNM4):c.1085T>C (p.Ile362Thr)

Gene: CNNM4 (cyclin and CBS domain divalent metal cation transport mediator 4; plus strand). Cytogenetic location: 2q11.2.
Variant type: single nucleotide variant.
Coding change: c.1085T>C on transcript NM_020184.4 (MANE Select); coding-DNA position 1085, T replaced by C.
Protein change: p.Ile362Thr; replaces isoleucine 362 with threonine.
Molecular consequence: missense variant.
Genome position (GRCh38, 1-based): chr2:96,762,084, T>C. VCF-style: chr2-96762084-T-C. GRCh37 (hg19) VCF-style: chr2-97427821-T-C.
Other names: short protein forms I362T.
Identifiers: ClinVar variation 2122032 (VCV002122032.4), dbSNP rs2469455337, ClinGen allele CA347716211.

ClinVar aggregate classification (germline): Uncertain significance (1 of 4 stars; one submission).

Submission:

Labcorp Genetics (formerly Invitae), Labcorp
Classification: Uncertain significance. Last evaluated: 2023-11-27. Review status: criteria provided, single submitter. Criteria: Invitae Variant Classification Sherloc (09022015). Collection method: clinical testing. Allele origin: germline.
Comment: This sequence change replaces isoleucine, which is neutral and non-polar, with threonine, which is neutral and polar, at codon 362 of the CNNM4 protein (p.Ile362Thr). This variant is not present in population databases (gnomAD no frequency). This variant has not been reported in the literature in individuals affected with CNNM4-related conditions. ClinVar contains an entry for this variant (Variation ID: 2122032). Advanced modeling of protein sequence and biophysical properties (such as structural, functional, and spatial information, amino acid conservation, physicochemical variation, residue mobility, and thermodynamic stability) performed at Invitae indicates that this missense variant is expected to disrupt CNNM4 protein function with a positive predictive value of 80%. In summary, the available evidence is currently insufficient to determine the role of this variant in disease. Therefore, it has been classified as a Variant of Uncertain Significance.